The following is an entry in ClinVar:

NM_000051.4(ATM):c.307T>A (p.Tyr103Asn)

Gene: ATM (ATM serine/threonine kinase; plus strand). Cytogenetic location: 11q22.3.
Variant type: single nucleotide variant.
Coding change: c.307T>A on transcript NM_000051.4 (MANE Select); coding-DNA position 307, T replaced by A.
Protein change: p.Tyr103Asn; replaces tyrosine 103 with asparagine.
Molecular consequence: missense variant.
Genome position (GRCh38, 1-based): chr11:108,229,299, T>A. VCF-style: chr11-108229299-T-A. GRCh37 (hg19) VCF-style: chr11-108100026-T-A.
Other names: c.307T>A, p.Tyr103Asn (NM_001351834.2, NM_001351835.2, NM_001351836.2); short protein forms Y103N.
Identifiers: ClinVar variation 2152124 (VCV002152124.7), dbSNP rs1429613361, ClinGen allele CA382521751.

ClinVar aggregate classification (germline): Uncertain significance. Review status: criteria provided, multiple submitters, no conflicts (2 of 4 stars). 2 submissions from 2 submitters: Uncertain significance (2). Last evaluated 2025-12-13.

Conditions:
Ataxia-telangiectasia syndrome (AT). Also called: AT, COMPLEMENTATION GROUP C; Ataxia telangiectasia (A-T); LOUIS-BAR SYNDROME; Cerebello-oculocutaneous telangiectasia; Immunodeficiency with ataxia telangiectasia; Ataxia-telangiectasia, complementation group D. Identifiers: Orphanet 100, MedGen C0004135, MONDO:0008840, OMIM 208900.
Hereditary cancer-predisposing syndrome. Also called: Neoplastic Syndromes, Hereditary; Hereditary Cancer Syndrome; Hereditary neoplastic syndrome; Tumor predisposition. Identifiers: Orphanet 140162, MedGen C0027672, MeSH D009386, MONDO:0015356.

gnomAD v4.1: 1 of 1,613,034 alleles (0.000062%); no homozygotes.

Submissions (2):

Ambry Genetics
Classification: Uncertain significance for Hereditary cancer-predisposing syndrome. Last evaluated: 2025-12-13. Review status: criteria provided, single submitter. Criteria: Ambry Variant Classification Scheme 2023. Collection method: clinical testing. Allele origin: germline.
Comment: The p.Y103N variant (also known as c.307T>A), located in coding exon 3 of the ATM gene, results from a T to A substitution at nucleotide position 307. The tyrosine at codon 103 is replaced by asparagine, an amino acid with dissimilar properties. This amino acid position is well conserved in available vertebrate species. In addition, this alteration is predicted to be tolerated by in silico analysis. Since supporting evidence is limited at this time, the clinical significance of this alteration remains unclear.

Labcorp Genetics (formerly Invitae), Labcorp
Classification: Uncertain significance for Ataxia-telangiectasia syndrome. Last evaluated: 2023-08-27. Review status: criteria provided, single submitter. Criteria: Invitae Variant Classification Sherloc (09022015). Collection method: clinical testing. Allele origin: germline.
Comment: In summary, the available evidence is currently insufficient to determine the role of this variant in disease. Therefore, it has been classified as a Variant of Uncertain Significance. Advanced modeling of protein sequence and biophysical properties (such as structural, functional, and spatial information, amino acid conservation, physicochemical variation, residue mobility, and thermodynamic stability) performed at Invitae indicates that this missense variant is not expected to disrupt ATM protein function. ClinVar contains an entry for this variant (Variation ID: 2152124). This variant has not been reported in the literature in individuals affected with ATM-related conditions. This variant is not present in population databases (gnomAD no frequency). This sequence change replaces tyrosine, which is neutral and polar, with asparagine, which is neutral and polar, at codon 103 of the ATM protein (p.Tyr103Asn).